The following is an entry in ClinVar:

ClinVar aggregate classification (germline): Uncertain significance. Review status: criteria provided, multiple submitters, no conflicts (2 of 4 stars). 3 submissions from 3 submitters: Uncertain significance (3). Last evaluated 2025-12-08.

Conditions:
Hereditary cancer-predisposing syndrome. Also called: Hereditary neoplastic syndrome; Tumor predisposition; Neoplastic Syndromes, Hereditary; Hereditary Cancer Syndrome. Identifiers: Orphanet 140162, MedGen C0027672, MeSH D009386, MONDO:0015356.
TSC2-related disorder. Also called: TSC2-related condition; TSC2-Related Disorders.
Tuberous sclerosis 2 (TSC2). Identifiers: Orphanet 805, MedGen C1860707, MONDO:0013199, OMIM 613254.

Allele frequency attached by ClinVar (database versions not stated): TOPMed below 0.00001; gnomAD 0.00001.
gnomAD v4.1: 2 of 1,612,568 alleles (0.00012%); highest among the groups gnomAD compares: Non-Finnish European, 0.00017%; no homozygotes.

Submissions (3):

Labcorp Genetics (formerly Invitae), Labcorp
Classification: Uncertain significance for Tuberous sclerosis 2. Last evaluated: 2025-12-08. Review status: criteria provided, single submitter. Criteria: Invitae Variant Classification Sherloc (09022015). Collection method: clinical testing. Allele origin: germline.
Comment: This sequence change replaces arginine, which is basic and polar, with serine, which is neutral and polar, at codon 990 of the TSC2 protein (p.Arg990Ser). This variant is not present in population databases (gnomAD no frequency). This variant has not been reported in the literature in individuals affected with TSC2-related conditions. ClinVar contains an entry for this variant (Variation ID: 1476559). Invitae Evidence Modeling of protein sequence and biophysical properties (such as structural, functional, and spatial information, amino acid conservation, physicochemical variation, residue mobility, and thermodynamic stability) indicates that this missense variant is not expected to disrupt TSC2 protein function with a negative predictive value of 95%. In summary, the available evidence is currently insufficient to determine the role of this variant in disease. Therefore, it has been classified as a Variant of Uncertain Significance.

Ambry Genetics
Classification: Uncertain significance for Hereditary cancer-predisposing syndrome. Last evaluated: 2023-03-17. Review status: criteria provided, single submitter. Criteria: Ambry Variant Classification Scheme 2023. Collection method: clinical testing. Allele origin: germline.
Comment: The p.R990S variant (also known as c.2970G>T), located in coding exon 26 of the TSC2 gene, results from a G to T substitution at nucleotide position 2970. The arginine at codon 990 is replaced by serine, an amino acid with dissimilar properties. This amino acid position is conserved. In addition, this alteration is predicted to be deleterious by in silico analysis. Since supporting evidence is limited at this time, the clinical significance of this alteration remains unclear.

PreventionGenetics, part of Exact Sciences
Classification: Uncertain significance for TSC2-related condition. Last evaluated: 2023-02-28. Review status: criteria provided, single submitter. Criteria: ACMG Guidelines, 2015. Collection method: clinical testing. Allele origin: germline.
Comment: The TSC2 c.2970G>T variant is predicted to result in the amino acid substitution p.Arg990Ser. To our knowledge, this variant has not been reported in the literature or in a large population database, indicating this variant is rare. An alternate missense change at the same amino acid position is characterized as a loss of function variant in the literature, and the c.2970G>T change is located at the terminal base of the exon for several alternate transcripts of TSC2 (Van Hout. 2020. PubMed ID: 33087929, See Supplementary Tables). At this time, the clinical significance of this variant is uncertain due to the absence of conclusive functional and genetic evidence.

NM_000548.5(TSC2):c.2970G>T (p.Arg990Ser)

Gene: TSC2 (TSC complex subunit 2; plus strand). Cytogenetic location: 16p13.3.
Variant type: single nucleotide variant.
Coding change: c.2970G>T on transcript NM_000548.5 (MANE Select); coding-DNA position 2970, G replaced by T.
Protein change: p.Arg990Ser; replaces arginine 990 with serine.
Molecular consequence: missense variant.
Genome position (GRCh38, 1-based): chr16:2,079,035, G>T. VCF-style: chr16-2079035-G-T. GRCh37 (hg19) VCF-style: chr16-2129036-G-T.
Other names: c.2838G>T, p.Arg946Ser (NM_001077183.3, NM_001370404.1); c.2970G>T, p.Arg990Ser (NM_001114382.3); c.2730G>T, p.Arg910Ser (NM_001318827.2); c.2694G>T, p.Arg898Ser (NM_001318829.2); c.2238G>T, p.Arg746Ser (NM_001318831.2); c.2871G>T, p.Arg957Ser (NM_001318832.2); c.2841G>T, p.Arg947Ser (NM_001363528.2, NM_001370405.1, NM_021055.3); c.2970G>T (NM_000548.4, NM_000548.3); short protein forms R910S, R947S, R746S, R898S, R957S, R990S, R946S.
Identifiers: ClinVar variation 1476559 (VCV001476559.10), dbSNP rs1317631053, ClinGen allele CA394283482.
Genomic context (GRCh38, chr16:2,079,035, plus strand): 5'-GGTGGCTCGGCCCGCCCTACCTGGCACCCTGACCCTGGTCACGGCCTCTCCCTCCAGCAG[G>T]ATACAGACGTCCCTCACCAGTGCCAGCTTGGGGTCTGCAGATGAGAACTCCGTGGCCCAG-3'
Protein context (NP_000539.2, residues 980-1000): ISVSEHVVRS[Arg990Ser]IQTSLTSASL